The following is an entry in ClinVar:

ClinVar aggregate classification (germline): Uncertain significance (1 of 4 stars; one submission).

Submission:

Labcorp Genetics (formerly Invitae), Labcorp
Classification: Uncertain significance. Last evaluated: 2021-02-19. Review status: criteria provided, single submitter. Criteria: Invitae Variant Classification Sherloc (09022015). Collection method: clinical testing. Allele origin: germline.
Comment: This variant, c.5882_5884del, results in the deletion of 1 amino acid(s) of the POLE protein (p.Gly1961del), but otherwise preserves the integrity of the reading frame. This variant is not present in population databases (ExAC no frequency). This variant has not been reported in the literature in individuals with POLE-related conditions. Experimental studies and prediction algorithms are not available or were not evaluated, and the functional significance of this variant is currently unknown. In summary, the available evidence is currently insufficient to determine the role of this variant in disease. Therefore, it has been classified as a Variant of Uncertain Significance.

NM_006231.4(POLE):c.5882_5884del (p.Gly1961del)

Gene: POLE (DNA polymerase epsilon, catalytic subunit; minus strand). Cytogenetic location: 12q24.33.
Variant type: Deletion.
Coding change: c.5882_5884del on transcript NM_006231.4 (MANE Select); coding-DNA positions 5882 to 5884, 3 bases deleted (GGG; older notation c.5882_5884delGGG).
Protein change: p.Gly1961del; deletes glycine 1961.
Molecular consequence: inframe deletion.
Genome position (GRCh38, 1-based): chr12:132,634,306-132,634,308, CCC deleted on the plus strand (GGG on the coding strand, the reverse complement: POLE is on the minus strand); deleting any 3 consecutive bases within chr12:132,634,306-132,634,309 gives the same sequence; the c. name uses the placement nearest the transcript's 3' end. VCF-style (leftmost placement, unchanged base first): chr12-132634305-TCCC-T. GRCh37 (hg19) VCF-style: chr12-133210891-TCCC-T.
Other names: short protein forms G1961del.
Identifiers: ClinVar variation 1512008 (VCV001512008.8), dbSNP rs2138474789, ClinGen allele CA2573148292.